The following is an entry in ClinVar:

NM_002691.4(POLD1):c.1031G>A (p.Trp344Ter)

Gene: POLD1 (DNA polymerase delta 1, catalytic subunit; plus strand). Cytogenetic location: 19q13.33.
Variant type: single nucleotide variant.
Coding change: c.1031G>A on transcript NM_002691.4 (MANE Select); coding-DNA position 1031, G replaced by A.
Protein change: p.Trp344Ter; replaces tryptophan 344 with a stop codon.
Molecular consequence: nonsense. On other transcripts: non-coding transcript variant (1).
Genome position (GRCh38, 1-based): chr19:50,403,113, G>A. VCF-style: chr19-50403113-G-A. GRCh37 (hg19) VCF-style: chr19-50906370-G-A.
Other names: c.1031G>A, p.Trp344Ter (NM_001256849.1, NM_001308632.1); short protein forms W344*.
Identifiers: ClinVar variation 1973328 (VCV001973328.5), dbSNP rs1555790406, ClinGen allele CA406978054.

ClinVar aggregate classification (germline): Uncertain significance (1 of 4 stars; one submission).

Conditions:
POLD1-related polyposis and colorectal cancer syndrome (CRCS10). Also called: Colorectal cancer 10; COLORECTAL CANCER, SUSCEPTIBILITY TO, ON CHROMOSOME 19q; Colorectal cancer, susceptibility to, 10. Identifiers: Orphanet 220460, MedGen C2675481, MONDO:0012953, OMIM 612591.

Submission:

Labcorp Genetics (formerly Invitae), Labcorp
Classification: Uncertain significance for POLD1-related polyposis and colorectal cancer syndrome. Last evaluated: 2022-04-13. Review status: criteria provided, single submitter. Criteria: Invitae Variant Classification Sherloc (09022015). Collection method: clinical testing. Allele origin: germline.
Comment: In summary, the available evidence is currently insufficient to determine the role of this variant in disease. Therefore, it has been classified as a Variant of Uncertain Significance. This variant has not been reported in the literature in individuals affected with POLD1-related conditions. This variant is not present in population databases (gnomAD no frequency). This sequence change creates a premature translational stop signal (p.Trp344*) in the POLD1 gene. Missense variants that disrupt the 3'-5' exonuclease (proof-reading) activity of the POLD1 protein are associated with an increased risk for colonic adenomatous polyps and colon cancer (PMID: 23263490, 23447401). However, loss-of-function variants that result in an absent or severely disrupted POLD1 protein, and missense variants outside the exonuclease domain, are unlikely to be associated with polyposis or colon cancer.

Literature cited by the submitters: PubMed 23263490; PubMed 23447401.